The following is an entry in ClinVar:

ClinVar aggregate classification (germline): Benign/Likely benign. Review status: criteria provided, multiple submitters, no conflicts (2 of 4 stars). 3 submissions from 3 submitters: Benign (1); Likely benign (2). Last evaluated 2025-07-30.

Conditions:
Familial cancer of breast. Also called: hereditary breast carcinoma; BREAST CANCER, FAMILIAL; Hereditary breast cancer. Identifiers: Orphanet 227535, MedGen C0346153, MONDO:0016419, OMIM 114480. Disease mechanism: loss of function.
Hereditary cancer-predisposing syndrome. Also called: Hereditary Cancer Syndrome; Hereditary neoplastic syndrome; Tumor predisposition; Neoplastic Syndromes, Hereditary. Identifiers: Orphanet 140162, MedGen C0027672, MeSH D009386, MONDO:0015356.

Submissions (3):

Labcorp Genetics (formerly Invitae), Labcorp
Classification: Likely benign for Familial cancer of breast. Last evaluated: 2025-07-30. Review status: criteria provided, single submitter. Criteria: Invitae Variant Classification Sherloc (09022015). Collection method: clinical testing. Allele origin: germline.

Myriad Genetics, Inc.
Classification: Benign for Familial cancer of breast. Last evaluated: 2024-07-23. Review status: criteria provided, single submitter. Criteria: Myriad Autosomal Dominant, Autosomal Recessive and X-Linked Classification Criteria (2023). Collection method: clinical testing. Allele origin: unknown.
Comment: This variant is considered benign. This variant is a silent/synonymous amino acid change and it is not expected to impact splicing.

Ambry Genetics
Classification: Likely benign for Hereditary cancer-predisposing syndrome. Last evaluated: 2024-02-01. Review status: criteria provided, single submitter. Criteria: Ambry Variant Classification Scheme 2023. Collection method: clinical testing. Allele origin: germline.

NM_000465.4(BARD1):c.852G>A (p.Glu284=)

Gene: BARD1 (BRCA1 associated RING domain 1; minus strand). Cytogenetic location: 2q35.
Variant type: single nucleotide variant.
Coding change: c.852G>A on transcript NM_000465.4 (MANE Select); coding-DNA position 852, G replaced by A.
Protein change: p.Glu284=; no amino-acid change (glutamic acid 284 retained).
Molecular consequence: synonymous variant. On other transcripts: non-coding transcript variant (2), intron variant (3).
Genome position (GRCh38, 1-based): chr2:214,781,022, C>T on the plus strand (G>A on the coding strand, the complement: BARD1 is on the minus strand). VCF-style: chr2-214781022-C-T. GRCh37 (hg19) VCF-style: chr2-215645746-C-T.
Other names: c.795G>A, p.Glu265= (NM_001282543.2); c.158+28390G>A (NM_001282548.2); c.215+16039G>A (NM_001282545.2); c.364+11275G>A (NM_001282549.2); c.852G>A (NM_000465.2).
Identifiers: ClinVar variation 1082065 (VCV001082065.12), dbSNP rs2106110152, ClinGen allele CA431391906.